The following is an entry in ClinVar:

ClinVar aggregate classification (germline): Uncertain significance (1 of 4 stars; one submission).

Conditions:
Nephronophthisis. Also called: Juvenile Nephronophthisis. Identifiers: Orphanet 655, MedGen C0687120, MONDO:0019005, HP:0000090.

Allele frequency attached by ClinVar (database versions not stated): TOPMed below 0.00001; gnomAD 0.00001.
gnomAD v4.1: 1 of 1,604,224 alleles (0.000062%); highest among the groups gnomAD compares: Admixed American, 0.0017%; no homozygotes.

Submission:

Labcorp Genetics (formerly Invitae), Labcorp
Classification: Uncertain significance for Nephronophthisis. Last evaluated: 2022-09-27. Review status: criteria provided, single submitter. Criteria: Invitae Variant Classification Sherloc (09022015). Collection method: clinical testing. Allele origin: germline.
Comment: This sequence change replaces lysine, which is basic and polar, with glutamic acid, which is acidic and polar, at codon 47 of the IQCB1 protein (p.Lys47Glu). This variant is present in population databases (no rsID available, gnomAD 0.1%). This variant has not been reported in the literature in individuals affected with IQCB1-related conditions. Advanced modeling of protein sequence and biophysical properties (such as structural, functional, and spatial information, amino acid conservation, physicochemical variation, residue mobility, and thermodynamic stability) performed at Invitae indicates that this missense variant is not expected to disrupt IQCB1 protein function. In summary, the available evidence is currently insufficient to determine the role of this variant in disease. Therefore, it has been classified as a Variant of Uncertain Significance.

NM_001023570.4(IQCB1):c.139A>G (p.Lys47Glu)

Gene: IQCB1 (IQ motif containing B1; minus strand). Cytogenetic location: 3q13.33.
Variant type: single nucleotide variant.
Coding change: c.139A>G on transcript NM_001023570.4 (MANE Select); coding-DNA position 139, A replaced by G.
Protein change: p.Lys47Glu; replaces lysine 47 with glutamic acid.
Molecular consequence: missense variant. On other transcripts: non-coding transcript variant (1).
Genome position (GRCh38, 1-based): chr3:121,828,594, T>C on the plus strand (A>G on the coding strand, the complement: IQCB1 is on the minus strand). VCF-style: chr3-121828594-T-C. GRCh37 (hg19) VCF-style: chr3-121547441-T-C.
Other names: c.139A>G, p.Lys47Glu (NM_001023571.4, NM_001319107.2); short protein forms K47E.
Identifiers: ClinVar variation 2175989 (VCV002175989.1), dbSNP rs1341474530, ClinGen allele CA354114153.
Genomic context (GRCh38, chr3:121,828,594, plus strand): 5'-TGAGGACCAAGAGGCAATATTGAATGAGATCATAACAATATATATCTTGTTTGATTTTCT[T>C]CAACTCTGAGCTTCCTAAAGGTGTGATGTTTATTATTTCTAAGGCAAAAGGAAATAAGAT-3'
Protein context (NP_001018864.2, residues 37-57): NITPLGSSEL[Lys47Glu]KIKQDIYCYD